The following is an entry in ClinVar:

ClinVar aggregate classification (germline): Likely pathogenic (1 of 4 stars; one submission).

Conditions:
Griscelli syndrome type 2 (GS2). Also called: GRISCELLI SYNDROME WITH HEMOPHAGOCYTIC SYNDROME; PAID SYNDROME; PARTIAL ALBINISM AND IMMUNODEFICIENCY SYNDROME. Identifiers: Orphanet 381, Orphanet 79477, MedGen C1868679, MONDO:0011872, OMIM 607624.

Submission:

Neuberg Centre For Genomic Medicine, NCGM
Classification: Likely pathogenic for Griscelli syndrome type 2. Last evaluated: 2023-05-20. Review status: criteria provided, single submitter. Criteria: ACMG Guidelines, 2015. Collection method: clinical testing. Allele origin: germline. Inheritance: Autosomal recessive inheritance. Affected: yes.
Comment: The observed frame shift variant c.154del (p.Val52CysfsTer33) in RAB27A gene has not been reported previously as a pathogenic variant nor as a benign variant, to our knowledge. The p.Val52CysfsTer33 variant is absent in gnomAD Exomes. This variant has not been submitted to the ClinVar database. This variant causes a frameshift starting with codon Valine 52, changes this amino acid to Cysteine residue, and creates a premature Stop codon at position 33 of the new reading frame, denoted p.Val52CysfsTer33. This variant is predicted to cause loss of normal protein function through protein truncation. Loss of function variants have been previously reported to be disease causing. For these reasons, this variant has been classified as Likely Pathogenic.

NM_183235.3(RAB27A):c.154del

Gene: RAB27A (RAB27A, member RAS oncogene family; minus strand). Cytogenetic location: 15q21.3.
Variant type: Deletion.
Coding change: c.154del on transcript NM_183235.3 (MANE Select); coding-DNA position 154, one base deleted (G; older notation c.154delG).
Molecular consequence: splice acceptor variant.
Genome position (GRCh38, 1-based): chr15:55,230,486, C deleted on the plus strand (G on the coding strand, the reverse complement: RAB27A is on the minus strand); the first of 2 consecutive C bases (chr15:55,230,486-55,230,487); deleting either gives the same sequence. VCF-style (leftmost placement, unchanged base first): chr15-55230485-AC-A. GRCh37 (hg19) VCF-style: chr15-55522683-AC-A.
Identifiers: ClinVar variation 3341467 (VCV003341467.1).